The following is an entry in ClinVar:

ClinVar aggregate classification (germline): Uncertain significance. Review status: criteria provided, multiple submitters, no conflicts (2 of 4 stars). 4 submissions from 4 submitters: Uncertain significance (4). Last evaluated 2022-07-06.

Conditions:
Autosomal recessive limb-girdle muscular dystrophy type 2N. Also called: Muscular dystrophy-dystroglycanopathy (limb-girdle), type C, 2; MUSCULAR DYSTROPHY-DYSTROGLYCANOPATHY, LIMB-GIRDLE, POMT2-RELATED. Identifiers: Orphanet 206559, MedGen C3150418, MONDO:0013162, OMIM 613158.
Muscular dystrophy-dystroglycanopathy (congenital with impaired intellectual development), type B, 2. Also called: Muscular dystrophy-dystroglycanopathy (congenital with intellectual disability), type B2; MUSCULAR DYSTROPHY, CONGENITAL, POMT2-RELATED. Identifiers: MedGen C3150416, MONDO:0013160, OMIM 613156.
Muscular dystrophy-dystroglycanopathy (congenital with brain and eye anomalies), type A2. Also called: MUSCULAR DYSTROPHY-DYSTROGLYCANOPATHY (CONGENITAL WITH BRAIN AND EYE ANOMALIES), TYPE A, 2; WALKER-WARBURG SYNDROME OR MUSCLE-EYE-BRAIN DISEASE, POMT2-RELATED. Identifiers: Orphanet 588, Orphanet 899, MedGen C3150411, MONDO:0013154, OMIM 613150.
Muscular dystrophy-dystroglycanopathy (congenital with brain and eye anomalies), type A1 (MDDGA1). Also called: COD-MD SYNDROME; Muscular dystrophy-dystroglycanopathy (congenital with brain and eye anomalies), type A, 1; WALKER-WARBURG SYNDROME OR MUSCLE-EYE-BRAIN DISEASE, POMT1-RELATED; Hydrocephalus, agyria and retinal dysplasia; Hard +/- E syndrome; Warburg syndrome. Identifiers: Orphanet 588, Orphanet 899, MedGen C4284790, MONDO:0009364, OMIM 236670.

Allele frequency attached by ClinVar (database versions not stated): TOPMed 0.00003; ExAC 0.00001; gnomAD 0.00006 and 0.00005; gnomAD exomes 0.00002.
gnomAD v4.1: 39 of 1,613,320 alleles (0.0024%); highest among the groups gnomAD compares: Non-Finnish European, 0.0031%; no homozygotes.

Submissions (4):

Labcorp Genetics (formerly Invitae), Labcorp
Classification: Uncertain significance for Muscular dystrophy-dystroglycanopathy (congenital with impaired intellectual development), type B, 2; Muscular dystrophy-dystroglycanopathy (congenital with brain and eye anomalies), type A2; Autosomal recessive limb-girdle muscular dystrophy type 2N. Last evaluated: 2022-07-06. Review status: criteria provided, single submitter. Criteria: Invitae Variant Classification Sherloc (09022015). Collection method: clinical testing. Allele origin: germline.
Comment: This sequence change replaces glycine, which is neutral and non-polar, with serine, which is neutral and polar, at codon 646 of the POMT2 protein (p.Gly646Ser). This variant is present in population databases (rs767592155, gnomAD 0.004%). This variant has not been reported in the literature in individuals affected with POMT2-related conditions. ClinVar contains an entry for this variant (Variation ID: 1207232). Algorithms developed to predict the effect of missense changes on protein structure and function are either unavailable or do not agree on the potential impact of this missense change (SIFT: "Tolerated"; PolyPhen-2: "Probably Damaging"; Align-GVGD: "Class C0"). In summary, the available evidence is currently insufficient to determine the role of this variant in disease. Therefore, it has been classified as a Variant of Uncertain Significance.

Fulgent Genetics
Classification: Uncertain significance for Muscular dystrophy-dystroglycanopathy (congenital with brain and eye anomalies), type A1; Muscular dystrophy-dystroglycanopathy (congenital with brain and eye anomalies), type A2; Muscular dystrophy-dystroglycanopathy (congenital with impaired intellectual development), type B, 2; Autosomal recessive limb-girdle muscular dystrophy type 2N. Last evaluated: 2021-12-17. Review status: criteria provided, single submitter. Criteria: ACMG Guidelines, 2015. Collection method: clinical testing. Allele origin: unknown.

GeneDx
Classification: Uncertain significance. Last evaluated: 2020-11-17. Review status: criteria provided, single submitter. Criteria: GeneDx Variant Classification Process June 2021. Collection method: clinical testing. Allele origin: germline. Affected: yes.
Comment: Not observed at a significant frequency in large population cohorts (Lek et al., 2016); In silico analysis supports that this missense variant has a deleterious effect on protein structure/function; Has not been previously published as pathogenic or benign to our knowledge

Juno Genomics, Hangzhou Juno Genomics, Inc
Classification: Uncertain significance for Muscular dystrophy-dystroglycanopathy (congenital with impaired intellectual development), type B, 2; Muscular dystrophy-dystroglycanopathy (congenital with brain and eye anomalies), type A2; Autosomal recessive limb-girdle muscular dystrophy type 2N. Review status: criteria provided, single submitter. Criteria: ACMG Guidelines, 2015. Collection method: clinical testing. Allele origin: germline.
Comment: Absent from controls (or at extremely low frequency if recessive) in Genome Aggregation Database.;Multiple lines of computational evidence support a deleterious effect on the gene or gene product.

NM_013382.7(POMT2):c.1936G>A (p.Gly646Ser)

Gene: POMT2 (protein O-mannosyltransferase 2; minus strand). Cytogenetic location: 14q24.3.
Variant type: single nucleotide variant.
Coding change: c.1936G>A on transcript NM_013382.7 (MANE Select); coding-DNA position 1936, G replaced by A.
Protein change: p.Gly646Ser; replaces glycine 646 with serine.
Molecular consequence: missense variant.
Genome position (GRCh38, 1-based): chr14:77,278,825, C>T on the plus strand (G>A on the coding strand, the complement: POMT2 is on the minus strand). VCF-style: chr14-77278825-C-T. GRCh37 (hg19) VCF-style: chr14-77745168-C-T.
Other names: short protein forms G646S.
Identifiers: ClinVar variation 1207232 (VCV001207232.11), dbSNP rs767592155, ClinGen allele CA7285589.